The following is an entry in ClinVar:

NM_002107.7(H3-3A):c.25C>G (p.Arg9Gly)

Genes: H3-3A (H3.3 histone A; plus strand), LOC129932634 (ATAC-STARR-seq lymphoblastoid active region 2645; plus strand). Cytogenetic location: 1q42.12.
Variant type: single nucleotide variant.
Coding change: c.25C>G on transcript NM_002107.7 (MANE Select); coding-DNA position 25, C replaced by G.
Protein change: p.Arg9Gly; replaces arginine 9 with glycine.
Molecular consequence: missense variant.
Genome position (GRCh38, 1-based): chr1:226,064,376, C>G. VCF-style: chr1-226064376-C-G. GRCh37 (hg19) VCF-style: chr1-226252077-C-G.
Other names: c.25C>G, p.Arg9Gly (NM_001379043.1, NM_001379045.1, NM_001379046.1 and 1 more transcripts); short protein forms R9G.
Identifiers: ClinVar variation 3103884 (VCV003103884.14), dbSNP rs2102735477, ClinGen allele CA345014981.
Genomic context (GRCh38, chr1:226,064,376, plus strand): 5'-TCAATGCTGGTAGGTAAGTAAGGAGGTCTCTGTACCATGGCTCGTACAAAGCAGACTGCC[C>G]GCAAATCGACCGGTGGTAAAGCACCCAGGAAGCAACTGGCTACAAAAGCCGCTCGCAAGA-3'
Protein context (NP_002098.1, residues 1-19): MARTKQTA[Arg9Gly]KSTGGKAPRK

ClinVar aggregate classification (germline): Likely pathogenic. Review status: criteria provided, multiple submitters, no conflicts (2 of 4 stars). 2 submissions from 2 submitters: Likely pathogenic (2). Last evaluated 2025-02-01.

Submissions (2):

CeGaT Center for Human Genetics Tuebingen
Classification: Likely pathogenic. Last evaluated: 2025-02-01. Review status: criteria provided, single submitter. Criteria: CeGaT Center For Human Genetics Tuebingen Variant Classification Criteria Version 2. Collection method: clinical testing. Allele origin: germline. Affected: yes. Observed: 1 variant allele.
Comment: H3-3A: PM2, PM5, PS2:Moderate, PM1:Supporting, PS4:Supporting

Ambry Genetics
Classification: Likely pathogenic. Last evaluated: 2021-08-24. Review status: criteria provided, single submitter. Criteria: Ambry Variant Classification Scheme 2023. Collection method: clinical testing. Allele origin: germline.
Comment: The c.25C>G (p.R9G) alteration is located in exon 2 (coding exon 1) of the H3-3A gene. This alteration results from a C to G substitution at nucleotide position 25, causing the arginine (R) at amino acid position 9 to be replaced by a glycine (G). This variant was not reported in population-based cohorts in the Genome Aggregation Database (gnomAD). In addition, two other alterations affecting the same codon in H3-3A, p.R9S, and in H3-3B, p.R9C, were reported de novo in patients with global developmental delay and congenital anomalies (Bryant, 2020). This amino acid position is highly conserved in available vertebrate species. This alteration is predicted to be tolerated by in silico analysis. Based on the available evidence, this alteration is classified as likely pathogenic.